The following is an entry in ClinVar:

ClinVar aggregate classification (germline): Uncertain significance. Review status: criteria provided, multiple submitters, no conflicts (2 of 4 stars). 2 submissions from 2 submitters: Uncertain significance (2). Last evaluated 2024-12-02.

Conditions:
Long QT syndrome (LQTS). Identifiers: MedGen C0023976, MeSH D008133, MONDO:0002442. Disease mechanism: loss of function. Inheritance: Various modes of inheritance.
Cardiovascular phenotype. Identifiers: MedGen CN230736.

Allele frequency attached by ClinVar (database versions not stated): gnomAD 0.00001.
gnomAD v4.1: 17 of 1,613,342 alleles (0.0011%); highest among the groups gnomAD compares: East Asian, 0.0067%; no homozygotes.

Submissions (2):

Ambry Genetics
Classification: Uncertain significance for Cardiovascular phenotype. Last evaluated: 2024-12-02. Review status: criteria provided, single submitter. Criteria: Ambry Variant Classification Scheme 2023. Collection method: clinical testing. Allele origin: germline.
Comment: The p.T444M variant (also known as c.1331C>T), located in coding exon 10 of the KCNQ1 gene, results from a C to T substitution at nucleotide position 1331. The threonine at codon 444 is replaced by methionine, an amino acid with similar properties. This variant was reported in a long QT syndrome cohort (Huttunen H et al. Front Endocrinol (Lausanne), 2018 Apr;9:194). This amino acid position is highly conserved in available vertebrate species. In addition, this alteration is predicted to be deleterious by in silico analysis. Based on the available evidence, the clinical significance of this variant remains unclear.

Labcorp Genetics (formerly Invitae), Labcorp
Classification: Uncertain significance for Long QT syndrome. Last evaluated: 2022-03-12. Review status: criteria provided, single submitter. Criteria: Invitae Variant Classification Sherloc (09022015). Collection method: clinical testing. Allele origin: germline.
Comment: This sequence change replaces threonine, which is neutral and polar, with methionine, which is neutral and non-polar, at codon 444 of the KCNQ1 protein (p.Thr444Met). This variant is present in population databases (rs749086979, gnomAD 0.01%). This missense change has been observed in individual(s) with suspected long QT syndrome (PMID: 29740400). Algorithms developed to predict the effect of missense changes on protein structure and function are either unavailable or do not agree on the potential impact of this missense change (SIFT: "Deleterious"; PolyPhen-2: "Probably Damaging"; Align-GVGD: "Class C0"). In summary, the available evidence is currently insufficient to determine the role of this variant in disease. Therefore, it has been classified as a Variant of Uncertain Significance.

Literature cited by the submitters: PubMed 29740400 (cited by Ambry Genetics and Labcorp Genetics (formerly Invitae), Labcorp).

NM_000218.3(KCNQ1):c.1331C>T (p.Thr444Met)

Gene: KCNQ1 (potassium voltage-gated channel subfamily Q member 1; plus strand). Cytogenetic location: 11p15.5.
Variant type: single nucleotide variant.
Coding change: c.1331C>T on transcript NM_000218.3 (MANE Select); coding-DNA position 1331, C replaced by T.
Protein change: p.Thr444Met; replaces threonine 444 with methionine.
Molecular consequence: missense variant.
Genome position (GRCh38, 1-based): chr11:2,588,792, C>T. VCF-style: chr11-2588792-C-T. GRCh37 (hg19) VCF-style: chr11-2610022-C-T.
Other names: c.1235C>T, p.Thr412Met (NM_001406836.1); c.1061C>T, p.Thr354Met (NM_001406837.1); c.791C>T, p.Thr264Met (NM_001406838.1); c.950C>T, p.Thr317Met (NM_181798.2); short protein forms T354M, T412M, T264M, T317M, T444M.
Identifiers: ClinVar variation 2148709 (VCV002148709.2), dbSNP rs749086979, ClinGen allele CA028637.
Genomic context (GRCh38, chr11:2,588,792, plus strand): 5'-AGCTGGACAAAGACAATGGGGTGACTCCTGGAGAGAAGATGCTCACAGTCCCCCATATCA[C>T]GTGCGACCCCCCAGAAGAGCGGCGGCTGGACCACTTCTCTGTCGACGGCTATGACAGTTC-3'
Protein context (NP_000209.2, residues 434-454): GEKMLTVPHI[Thr444Met]CDPPEERRLD